The following is an entry in ClinVar:

NM_000238.4(KCNH2):c.2592+5G>A

Gene: KCNH2 (potassium voltage-gated channel subfamily H member 2; minus strand). Cytogenetic location: 7q36.1.
Variant type: single nucleotide variant.
Coding change: c.2592+5G>A on transcript NM_000238.4 (MANE Select); 5 bases into the intron after coding-DNA position 2592, G replaced by A.
Molecular consequence: intron variant.
Genome position (GRCh38, 1-based): chr7:150,948,851, C>T on the plus strand (G>A on the coding strand, the complement: KCNH2 is on the minus strand). VCF-style: chr7-150948851-C-T. GRCh37 (hg19) VCF-style: chr7-150645939-C-T.
Other names: c.2304+5G>A (NM_001406753.1); c.1572+5G>A (NM_172057.3).
Identifiers: ClinVar variation 3770235 (VCV003770235.2).
Genomic context (GRCh38, chr7:150,948,851, plus strand): 5'-AGCAAAGGGGCAGCCACACAGCTGGAAGCAGGAGGATGGGGTCCAGCTCAGGGCAGCCAA[C>T]TCACATCTCGCAGGTTGAAGGTGATCTCCAGGCTGGACCAGAAGTGGTCGGAGAACTCAG-3'

ClinVar aggregate classification (germline): Uncertain significance (1 of 4 stars; one submission).

Conditions:
Long QT syndrome 2 (LQT2). Identifiers: Orphanet 101016, Orphanet 768, MedGen C3150943, MONDO:0013367, OMIM 613688.

gnomAD v4.1: 5 of 1,614,102 alleles (0.00031%); no homozygotes.

Submission:

Petrovsky National Research Centre of Surgery, The Federal Agency for Scientific Organizations
Classification: Uncertain significance for Long QT syndrome 2. Last evaluated: 2024-10-25. Review status: criteria provided, single submitter. Criteria: ACMG Guidelines, 2015. Collection method: clinical testing. Allele origin: germline. Inheritance: Autosomal dominant inheritance. Affected: yes. Observed: 1 heterozygote.
Comment: This variant is in The Genome Aggregation Database (gnomAD) v4.1.0 with total MAF 0.000003098 (Date of access 24-10-2024). Online bioinformatic resources classify the c.2592+5G>A variant as probably pathogenic. However, in the absence of the functional studies, we could only classify this genetic variant as a Variant of Uncertain Significance with following criteria: PM2, PP3.